The following is an entry in ClinVar:

ClinVar aggregate classification (germline): Conflicting classifications of pathogenicity. Review status: criteria provided, conflicting classifications (1 of 4 stars). 5 submissions from 4 submitters: Uncertain significance (1); Benign (1); Likely benign (2). 1 of the submissions does not count toward it. Last evaluated 2026-02-04.

Conditions:
Glaucoma 3, primary congenital, D. Identifiers: Orphanet 98976, MedGen C2751316, MONDO:0013122, OMIM 613086.
Microspherophakia and/or megalocornea, with ectopia lentis and with or without secondary glaucoma (MSPKA). Identifiers: Orphanet 238763, MedGen C3538951, MONDO:0009633, OMIM 251750.
Weill-Marchesani syndrome 3 (WMS3). Also called: Weill-Marchesani syndrome 3, recessive; LTBP2-Related Weill-Marchesani Syndrome. Identifiers: Orphanet 3449, MedGen C3553785, MONDO:0013899, OMIM 614819.
LTBP2-related disorder. Also called: LTBP2-related condition; LTBP2-related disorders.
Weill-Marchesani syndrome. Also called: WM Syndrome; Mesodermal dysmorphodystrophy congenital. Identifiers: Orphanet 3449, MedGen C0265313, MONDO:0018096.

Allele frequency attached by ClinVar (database versions not stated): 1000 Genomes Project 30x 0.00141; 1000 Genomes Project 0.00160; gnomAD 0.00488; TOPMed 0.00538; ESP Exome Variant Server 0.00570; ExAC 0.00926.
gnomAD v4.1: 10,934 of 1,590,652 alleles (0.69%); highest among the groups gnomAD compares: Non-Finnish European, 0.85%; 51 homozygotes.

Submissions (5):

Labcorp Genetics (formerly Invitae), Labcorp
Classification: Benign. Last evaluated: 2026-02-04. Review status: criteria provided, single submitter. Criteria: Invitae Variant Classification Sherloc (09022015). Collection method: clinical testing. Allele origin: germline.

Illumina Laboratory Services, Illumina
Classification: Uncertain significance for Glaucoma 3, primary congenital, D. Last evaluated: 2018-01-13. Review status: criteria provided, single submitter. Criteria: ICSL Variant Classification Criteria 13 December 2019. Collection method: clinical testing. Allele origin: germline.

Illumina Laboratory Services, Illumina
Classification: Likely benign for Weill-Marchesani syndrome. Last evaluated: 2018-01-13. Review status: criteria provided, single submitter. Criteria: ICSL Variant Classification Criteria 13 December 2019. Collection method: clinical testing. Allele origin: germline.
Comment: This variant was observed in the ICSL laboratory as part of a predisposition screen in an ostensibly healthy population. It had not been previously curated by ICSL or reported in the Human Gene Mutation Database (HGMD: prior to June 1st, 2018), and was therefore a candidate for classification through an automated scoring system. Utilizing variant allele frequency, disease prevalence and penetrance estimates, and inheritance mode, an automated score was calculated to assess if this variant is too frequent to cause the disease. Based on the score and internal cut-off values, a variant classified as likely benign is not then subjected to further curation. The score for this variant resulted in a classification of likely benign for this disease.

Center for Genomics, Ann and Robert H. Lurie Children's Hospital of Chicago
Classification: Likely benign for Glaucoma 3, primary congenital, D; Microspherophakia and/or megalocornea, with ectopia lentis and with or without secondary glaucoma; Weill-Marchesani syndrome 3. Review status: criteria provided, single submitter. Criteria: ACMG Guidelines, 2015. Collection method: clinical testing. Allele origin: germline.
Comment: LTBP2 NM_000428.2 exon 6 c.1399+10G>A: This variant has not been reported in the literature but is present in 0.8% (869/105370) of European alleles in the Genome Aggregation Database, including 3 homozygotes. Evolutionary conservation and computational predictive tools for this variant are limited or unavailable. Although this variant occurs in the splice region, computational prediction tools do not suggest that it may alter splicing. However, further studies are needed to understand its impact. In summary, data on this variant is insufficient for disease classification. Therefore, the clinical significance of this variant is uncertain.

PreventionGenetics, part of Exact Sciences
Classification: Benign for LTBP2-related condition. Last evaluated: 2019-05-06. Review status: no assertion criteria provided. Collection method: clinical testing. Allele origin: germline. Not counted in ClinVar's aggregate classification.
Comment: This variant is classified as benign based on ACMG/AMP sequence variant interpretation guidelines (Richards et al. 2015 PMID: 25741868, with internal and published modifications).

NM_000428.3(LTBP2):c.1399+10G>T

Gene: LTBP2 (latent transforming growth factor beta binding protein 2; minus strand). Cytogenetic location: 14q24.3.
Variant type: single nucleotide variant.
Coding change: c.1399+10G>T on transcript NM_000428.3 (MANE Select); 10 bases into the intron after coding-DNA position 1399, G replaced by T.
Molecular consequence: intron variant.
Genome position (GRCh38, 1-based): chr14:74,552,177, C>A on the plus strand (G>T on the coding strand, the complement: LTBP2 is on the minus strand). VCF-style: chr14-74552177-C-A. GRCh37 (hg19) VCF-style: chr14-75018880-C-A.
Identifiers: ClinVar variation 725005 (VCV000725005.18), dbSNP rs143528294, ClinGen allele CA7269900.